The following is an entry in ClinVar:

ClinVar aggregate classification (germline): Uncertain significance. Review status: criteria provided, multiple submitters, no conflicts (2 of 4 stars). 2 submissions from 2 submitters: Uncertain significance (2). Last evaluated 2024-09-03.

Conditions:
Inborn genetic diseases. Identifiers: MedGen C0950123, MeSH D030342.

Allele frequency attached by ClinVar (database versions not stated): gnomAD exomes below 0.00001; gnomAD 0.00001; TOPMed 0.00002.
gnomAD v4.1: 5 of 1,551,380 alleles (0.00032%); highest among the groups gnomAD compares: Non-Finnish European, 0.00044%; no homozygotes.

Submissions (2):

Ambry Genetics
Classification: Uncertain significance for Inborn genetic diseases. Last evaluated: 2024-09-03. Review status: criteria provided, single submitter. Criteria: Ambry Variant Classification Scheme 2023. Collection method: clinical testing. Allele origin: germline.

Labcorp Genetics (formerly Invitae), Labcorp
Classification: Uncertain significance. Last evaluated: 2022-08-16. Review status: criteria provided, single submitter. Criteria: Invitae Variant Classification Sherloc (09022015). Collection method: clinical testing. Allele origin: germline.
Comment: This sequence change replaces valine, which is neutral and non-polar, with methionine, which is neutral and non-polar, at codon 2697 of the UNC80 protein (p.Val2697Met). This variant is not present in population databases (gnomAD no frequency). This variant has not been reported in the literature in individuals affected with UNC80-related conditions. ClinVar contains an entry for this variant (Variation ID: 1493326). Algorithms developed to predict the effect of missense changes on protein structure and function are either unavailable or do not agree on the potential impact of this missense change (SIFT: "Not Available"; PolyPhen-2: "Probably Damaging"; Align-GVGD: "Not Available"). In summary, the available evidence is currently insufficient to determine the role of this variant in disease. Therefore, it has been classified as a Variant of Uncertain Significance.

NM_001371986.1(UNC80):c.8287G>A (p.Val2763Met)

Gene: UNC80 (unc-80 homolog, NALCN channel complex subunit; plus strand). Cytogenetic location: 2q34.
Variant type: single nucleotide variant.
Coding change: c.8287G>A on transcript NM_001371986.1 (MANE Select); coding-DNA position 8287, G replaced by A.
Protein change: p.Val2763Met; replaces valine 2763 with methionine.
Molecular consequence: missense variant.
Genome position (GRCh38, 1-based): chr2:209,972,231, G>A. VCF-style: chr2-209972231-G-A. GRCh37 (hg19) VCF-style: chr2-210836955-G-A.
Other names: c.8089G>A, p.Val2697Met (NM_032504.2); c.8074G>A, p.Val2692Met (NM_182587.4); c.8089G>A (NM_032504.1); short protein forms V2697M, V2763M, V2692M.
Identifiers: ClinVar variation 1493326 (VCV001493326.6), dbSNP rs1280225364, ClinGen allele CA350412878.